The following is an entry in ClinVar:

NM_024298.5(MBOAT7):c.1176G>A (p.Gln392=)

Gene: MBOAT7 (membrane bound acylglycerophosphatidylinositol O-acyltransferase MBOAT7; minus strand). Cytogenetic location: 19q13.42.
Variant type: single nucleotide variant.
Coding change: c.1176G>A on transcript NM_024298.5 (MANE Select); coding-DNA position 1176, G replaced by A.
Protein change: p.Gln392=; no amino-acid change (glutamine 392 retained).
Molecular consequence: synonymous variant.
Genome position (GRCh38, 1-based): chr19:54,174,287, C>T on the plus strand (G>A on the coding strand, the complement: MBOAT7 is on the minus strand). VCF-style: chr19-54174287-C-T. GRCh37 (hg19) VCF-style: chr19-54677981-C-T.
Other names: c.957G>A, p.Gln319= (NM_001146056.3, NM_001146083.3); c.1176G>A (NM_024298.4).
Identifiers: ClinVar variation 4943916 (VCV004943916.2).

ClinVar aggregate classification (germline): Likely benign. Review status: criteria provided, multiple submitters, no conflicts (2 of 4 stars). 2 submissions from 2 submitters: Likely benign (2). Last evaluated 2024-10-18.

Conditions:
MBOAT7-related disorder. Also called: MBOAT7-related condition.

gnomAD v4.1: 11 of 1,612,918 alleles (0.00068%); highest among the groups gnomAD compares: African/African-American, 0.012%; no homozygotes.

Submissions (2):

PreventionGenetics, part of Exact Sciences
Classification: Likely benign for MBOAT7-related condition. Last evaluated: 2024-10-18. Review status: criteria provided, single submitter. Criteria: ACMG Guidelines, 2015. Collection method: clinical testing. Allele origin: germline.
Comment: This variant is classified as likely benign based on ACMG/AMP sequence variant interpretation guidelines (Richards et al. 2015 PMID: 25741868, with internal and published modifications).

Blueprint Genetics
Classification: Likely benign. Last evaluated: 2022-07-12. Review status: criteria provided, single submitter. Criteria: ACMG Guidelines, 2015. Collection method: clinical testing. Allele origin: germline.